The following is an entry in ClinVar:

ClinVar aggregate classification (germline): Benign. Review status: criteria provided, multiple submitters, no conflicts (2 of 4 stars). 3 submissions from 3 submitters: Benign (3). Last evaluated 2018-06-22.

Conditions:
Usher syndrome type 3. Also called: Usher Syndrome, Type III. Identifiers: Orphanet 231183, MedGen C1568248, MONDO:0016485.

Allele frequency attached by ClinVar (database versions not stated): gnomAD 0.48434 and 0.48732; gnomAD exomes 0.53558 and 0.52132; 1000 Genomes Project 0.46925; ExAC 0.55000; 1000 Genomes Project 30x 0.46768; TOPMed 0.48190.
gnomAD v4.1: 850,085 of 1,603,656 alleles (53%); highest among the groups gnomAD compares: Non-Finnish European, 54%; 226,872 homozygotes.

Submissions (3):

GeneDx
Classification: Benign. Last evaluated: 2018-06-22. Review status: criteria provided, single submitter. Criteria: GeneDx Variant Classification Process June 2021. Collection method: clinical testing. Allele origin: germline. Affected: yes.

Illumina Laboratory Services, Illumina
Classification: Benign for Usher syndrome type 3A. Last evaluated: 2018-01-13. Review status: criteria provided, single submitter. Criteria: ICSL Variant Classification Criteria 13 December 2019. Collection method: clinical testing. Allele origin: germline.
Comment: This variant was observed in the ICSL laboratory as part of a predisposition screen in an ostensibly healthy population. It had not been previously curated by ICSL or reported in the Human Gene Mutation Database (HGMD: prior to June 1st, 2018), and was therefore a candidate for classification through an automated scoring system. Utilizing variant allele frequency, disease prevalence and penetrance estimates, and inheritance mode, an automated score was calculated to assess if this variant is too frequent to cause the disease. Based on the score and internal cut-off values, a variant classified as benign is not then subjected to further curation. The score for this variant resulted in a classification of benign for this disease.

Breakthrough Genomics
Classification: Benign. Review status: criteria provided, single submitter. Criteria: ACMG Guidelines, 2015. Collection method: not provided. Allele origin: germline. Inheritance: Autosomal recessive inheritance. Affected: yes.

NM_001195794.1(CLRN1):c.-71A>G

Genes: CLRN1 (clarin 1; minus strand), CLRN1-AS1 (CLRN1 antisense RNA 1; plus strand). Cytogenetic location: 3q25.1.
Variant type: single nucleotide variant.
Coding change: c.-71A>G on transcript NM_001195794.1; 71 bases upstream of the start codon, A replaced by G.
Molecular consequence: 5 prime UTR variant. On other transcripts: non-coding transcript variant (1).
Genome position (GRCh38, 1-based): chr3:150,972,779, T>C on the plus strand (A>G on the coding strand, the complement: CLRN1 is on the minus strand). VCF-style: chr3-150972779-T-C. GRCh37 (hg19) VCF-style: chr3-150690566-T-C.
Identifiers: ClinVar variation 343818 (VCV000343818.11), dbSNP rs3796240, ClinGen allele CA2666243.